The following is an entry in ClinVar:

NM_000124.4(ERCC6):c.697G>A (p.Glu233Lys)

Gene: ERCC6 (ERCC excision repair 6, chromatin remodeling factor; minus strand). Cytogenetic location: 10q11.23.
Variant type: single nucleotide variant.
Coding change: c.697G>A on transcript NM_000124.4 (MANE Select); coding-DNA position 697, G replaced by A.
Protein change: p.Glu233Lys; replaces glutamic acid 233 with lysine.
Molecular consequence: missense variant.
Genome position (GRCh38, 1-based): chr10:49,524,733, C>T on the plus strand (G>A on the coding strand, the complement: ERCC6 is on the minus strand). VCF-style: chr10-49524733-C-T. GRCh37 (hg19) VCF-style: chr10-50732779-C-T.
Other names: c.697G>A, p.Glu233Lys (NM_001277058.2, NM_001277059.2, NM_001346440.2); short protein forms E233K.
Identifiers: ClinVar variation 1373177 (VCV001373177.3), dbSNP rs965743464, ClinGen allele CA206620515.

ClinVar aggregate classification (germline): Uncertain significance (1 of 4 stars; one submission).

Submission:

Labcorp Genetics (formerly Invitae), Labcorp
Classification: Uncertain significance. Last evaluated: 2022-11-01. Review status: criteria provided, single submitter. Criteria: Invitae Variant Classification Sherloc (09022015). Collection method: clinical testing. Allele origin: germline.
Comment: This sequence change replaces glutamic acid, which is acidic and polar, with lysine, which is basic and polar, at codon 233 of the ERCC6 protein (p.Glu233Lys). This variant is not present in population databases (gnomAD no frequency). This variant has not been reported in the literature in individuals affected with ERCC6-related conditions. ClinVar contains an entry for this variant (Variation ID: 1373177). Advanced modeling of protein sequence and biophysical properties (such as structural, functional, and spatial information, amino acid conservation, physicochemical variation, residue mobility, and thermodynamic stability) performed at Invitae indicates that this missense variant is not expected to disrupt ERCC6 protein function. In summary, the available evidence is currently insufficient to determine the role of this variant in disease. Therefore, it has been classified as a Variant of Uncertain Significance.